The following is an entry in ClinVar:

ClinVar aggregate classification (germline): Likely benign (0 of 4 stars; one submission).

Conditions:
PLXNA4-related disorder. Also called: PLXNA4-related condition.

Allele frequency attached by ClinVar (database versions not stated): ExAC 0.00002; gnomAD 0.00002; gnomAD exomes 0.00002; TOPMed 0.00002.
gnomAD v4.1: 39 of 1,613,216 alleles (0.0024%); highest among the groups gnomAD compares: Non-Finnish European, 0.0032%; no homozygotes.

Submission:

PreventionGenetics, part of Exact Sciences
Classification: Likely benign for PLXNA4-related condition. Last evaluated: 2021-12-29. Review status: no assertion criteria provided. Collection method: clinical testing. Allele origin: germline.
Comment: This variant is classified as likely benign based on ACMG/AMP sequence variant interpretation guidelines (Richards et al. 2015 PMID: 25741868, with internal and published modifications).

NM_020911.2(PLXNA4):c.3705C>T (p.Ser1235=)

Gene: PLXNA4 (plexin A4; minus strand). Cytogenetic location: 7q32.3.
Variant type: single nucleotide variant.
Coding change: c.3705C>T on transcript NM_020911.2 (MANE Select); coding-DNA position 3705, C replaced by T.
Protein change: p.Ser1235=; no amino-acid change (serine 1235 retained).
Molecular consequence: synonymous variant.
Genome position (GRCh38, 1-based): chr7:132,179,856, G>A on the plus strand (C>T on the coding strand, the complement: PLXNA4 is on the minus strand). VCF-style: chr7-132179856-G-A. GRCh37 (hg19) VCF-style: chr7-131864615-G-A.
Other names: c.3705C>T, p.Ser1235= (NM_001393897.1).
Identifiers: ClinVar variation 3036610 (VCV003036610.2), dbSNP rs748758866, ClinGen allele CA4489404.